The following is an entry in ClinVar:

ClinVar aggregate classification (germline): Conflicting classifications of pathogenicity. Review status: criteria provided, conflicting classifications (1 of 4 stars). 2 submissions from 2 submitters: Uncertain significance (1); Likely benign (1). Last evaluated 2026-01-21.

Conditions:
KIF11-related disorder. Also called: KIF11-related condition.

Allele frequency attached by ClinVar (database versions not stated): ExAC 0.00002; gnomAD exomes 0.00002; gnomAD 0.00003 and 0.00004; TOPMed 0.00003; ESP Exome Variant Server 0.00015.
gnomAD v4.1: 37 of 1,613,478 alleles (0.0023%); highest among the groups gnomAD compares: Middle Eastern, 0.049%; no homozygotes.

Submissions (2):

Labcorp Genetics (formerly Invitae), Labcorp
Classification: Likely benign. Last evaluated: 2026-01-21. Review status: criteria provided, single submitter. Criteria: Invitae Variant Classification Sherloc (09022015). Collection method: clinical testing. Allele origin: germline.

PreventionGenetics, part of Exact Sciences
Classification: Uncertain significance for KIF11-related condition. Last evaluated: 2025-07-31. Review status: criteria provided, single submitter. Criteria: ACMG Guidelines, 2015. Collection method: clinical testing. Allele origin: germline.
Comment: The KIF11 c.2605C>T variant is predicted to result in the amino acid substitution p.Arg869Cys. To our knowledge, this variant has not been reported in the literature. This variant is reported in 0.0033% of alleles in individuals of South Asian descent in gnomAD. At this time, the clinical significance of this variant is uncertain due to the absence of conclusive functional and genetic evidence.

NM_004523.4(KIF11):c.2605C>T (p.Arg869Cys)

Gene: KIF11 (kinesin family member 11; plus strand). Cytogenetic location: 10q23.33.
Variant type: single nucleotide variant.
Coding change: c.2605C>T on transcript NM_004523.4 (MANE Select); coding-DNA position 2605, C replaced by T.
Protein change: p.Arg869Cys; replaces arginine 869 with cysteine.
Molecular consequence: missense variant.
Genome position (GRCh38, 1-based): chr10:92,648,269, C>T. VCF-style: chr10-92648269-C-T. GRCh37 (hg19) VCF-style: chr10-94408026-C-T.
Other names: c.2605C>T (NM_004523.3); short protein forms R869C.
Identifiers: ClinVar variation 1021672 (VCV001021672.11), dbSNP rs149407589, ClinGen allele CA5604427.